The following is an entry in ClinVar:

ClinVar aggregate classification (germline): Conflicting classifications of pathogenicity. Review status: criteria provided, conflicting classifications (1 of 4 stars). 12 submissions from 12 submitters: Uncertain significance (1); Benign (4); Likely benign (6). 1 of the submissions does not count toward it. Last evaluated 2026-07-01.

Conditions:
TSC2-related disorder. Also called: TSC2-related condition; TSC2-Related Disorders.
Tuberous sclerosis syndrome (TSC). Also called: Tuberous sclerosis; Tuberous Sclerosis Complex. Identifiers: Orphanet 805, MedGen C0041341, MONDO:0001734.
Tuberous sclerosis 2 (TSC2). Identifiers: Orphanet 805, MedGen C1860707, MONDO:0013199, OMIM 613254.
Hereditary cancer-predisposing syndrome. Also called: Neoplastic Syndromes, Hereditary; Tumor predisposition; Hereditary Cancer Syndrome; Hereditary neoplastic syndrome. Identifiers: Orphanet 140162, MedGen C0027672, MeSH D009386, MONDO:0015356.

Allele frequency attached by ClinVar (database versions not stated): ExAC below 0.00001; gnomAD exomes 0.00002 and 0.00005; TOPMed 0.00002; gnomAD 0.00003 and 0.00004.

Submissions (12):

CeGaT Center for Human Genetics Tuebingen
Classification: Likely benign. Last evaluated: 2026-07-01. Review status: criteria provided, single submitter. Criteria: CeGaT Center For Human Genetics Tuebingen Variant Classification Criteria Version 2. Collection method: clinical testing. Allele origin: germline. Affected: yes. Observed: 1 variant allele.
Comment: TSC2: BP4, BP7

Women's Health and Genetics/Laboratory Corporation of America, LabCorp
Classification: Likely benign. Last evaluated: 2026-05-07. Review status: criteria provided, single submitter. Criteria: LabCorp Variant Classification Summary - May 2015. Collection method: clinical testing. Allele origin: germline.

Labcorp Genetics (formerly Invitae), Labcorp
Classification: Benign for Tuberous sclerosis 2. Last evaluated: 2026-01-26. Review status: criteria provided, single submitter. Criteria: Invitae Variant Classification Sherloc (09022015). Collection method: clinical testing. Allele origin: germline.

Myriad Genetics, Inc.
Classification: Benign for Tuberous sclerosis 2. Last evaluated: 2025-05-14. Review status: criteria provided, single submitter. Criteria: Myriad Autosomal Dominant, Autosomal Recessive and X-Linked Classification Criteria (2023). Collection method: clinical testing. Allele origin: unknown.
Comment: This variant is considered benign. This variant is a silent/synonymous amino acid change and it is not expected to impact splicing.

Color Diagnostics, LLC DBA Color Health
Classification: Likely benign for Tuberous sclerosis syndrome. Last evaluated: 2023-12-04. Review status: criteria provided, single submitter. Criteria: ACMG Guidelines, 2015. Collection method: clinical testing. Allele origin: germline.

All of Us Research Program, National Institutes of Health
Classification: Likely benign for Tuberous sclerosis syndrome. Last evaluated: 2023-11-30. Review status: criteria provided, single submitter. Criteria: ACMG Guidelines, 2015. Collection method: clinical testing. Allele origin: germline. Inheritance: Autosomal dominant inheritance. Observed: 5 variant alleles, 5 heterozygotes.
Comment: This synonymous variant causes a nucleotide substitution but does not change the encoded amino acid at codon 455 of the TSC2 protein. To our knowledge, functional studies have not been reported for this variant. This variant has not been reported in individuals affected with tuberous sclerosis complex in the literature. This variant has been identified in 6/186614 chromosomes in the general population by the Genome Aggregation Database (gnomAD). The available evidence is insufficient to determine the role of this variant in disease conclusively. Therefore, this variant is classified as a Variant of Uncertain Significance.

This study involves interpretation of variants in research participants for the purpose of population health screening. Participant phenotype was not available at the time of variant classification. Additional details can be found in publication PMID: 35346344, PMCID: PMC8962531

Quest Diagnostics Nichols Institute San Juan Capistrano
Classification: Benign. Last evaluated: 2022-09-08. Review status: criteria provided, single submitter. Criteria: Quest Diagnostics criteria. Collection method: clinical testing. Allele origin: unknown.
Comment: The frequency of this variant in the general population is higher than would generally be expected for pathogenic variants in this gene. Computational tools yielded predictions that this variant is unlikely to have an effect on normal RNA splicing. This nucleotide position exhibits low evolutionary conservation. This variant has been seen where an alternate explanation for disease was also identified.

Genome-Nilou Lab
Classification: Benign for Tuberous sclerosis 2. Last evaluated: 2021-11-07. Review status: criteria provided, single submitter. Criteria: ACMG Guidelines, 2015. Collection method: clinical testing. Allele origin: germline. Affected: no.

Sema4
Classification: Uncertain significance for Hereditary cancer-predisposing syndrome. Last evaluated: 2021-09-17. Review status: criteria provided, single submitter. Criteria: Sema4 Curation Guidelines. Collection method: curation. Allele origin: germline.
Comment: To the best of our knowledge, the TSC2 c.1365C>T (p.S455=) variant has not been reported in individuals with TSC2-related disease. It was observed in 4/75154 chromosomes of the Non-Finnish European subpopulation in the large and broad cohorts of the Genome Aggregation Database (PMID: 32461654). The variant has been reported in ClinVar (Variation ID 207658). In silico tools suggest that the variant may have an impact on splicing, though these predictions have not been confirmed by functional studies. The evidence is insufficient to meet ACMG/AMP criteria for classifying the variant as benign or pathogenic. Thus, the clinical significance of this variant is currently uncertain.

GeneDx
Classification: Likely benign. Last evaluated: 2020-03-17. Review status: criteria provided, single submitter. Criteria: GeneDx Variant Classification Process June 2021. Collection method: clinical testing. Allele origin: germline. Affected: yes.

Ambry Genetics
Classification: Likely benign for Hereditary cancer-predisposing syndrome. Last evaluated: 2019-01-11. Review status: criteria provided, single submitter. Criteria: Ambry Variant Classification Scheme 2023. Collection method: clinical testing. Allele origin: germline.

PreventionGenetics, part of Exact Sciences
Classification: Likely benign for TSC2-related condition. Last evaluated: 2024-02-29. Review status: no assertion criteria provided. Collection method: clinical testing. Allele origin: germline. Not counted in ClinVar's aggregate classification.
Comment: This variant is classified as likely benign based on ACMG/AMP sequence variant interpretation guidelines (Richards et al. 2015 PMID: 25741868, with internal and published modifications).

NM_000548.5(TSC2):c.1365C>T (p.Ser455=)

Gene: TSC2 (TSC complex subunit 2; plus strand). Cytogenetic location: 16p13.3.
Variant type: single nucleotide variant.
Coding change: c.1365C>T on transcript NM_000548.5 (MANE Select); coding-DNA position 1365, C replaced by T.
Protein change: p.Ser455=; no amino-acid change (serine 455 retained).
Molecular consequence: synonymous variant.
Genome position (GRCh38, 1-based): chr16:2,062,975, C>T. VCF-style: chr16-2062975-C-T. GRCh37 (hg19) VCF-style: chr16-2112976-C-T.
Other names: p.S455S:AGC>AGT; c.1365C>T, p.Ser455= (NM_001077183.3, NM_001114382.3, NM_001363528.2 and 3 more transcripts); c.1254C>T, p.Ser418= (NM_001318827.2); c.1218C>T, p.Ser406= (NM_001318829.2); c.765C>T, p.Ser255= (NM_001318831.2); c.1398C>T, p.Ser466= (NM_001318832.2); c.1365C>T (NM_000548.4).
Identifiers: ClinVar variation 207658 (VCV000207658.28), dbSNP rs34567401, ClinGen allele CA029711.